The following is an entry in ClinVar:

ClinVar aggregate classification (germline): Pathogenic (1 of 4 stars; one submission).

Submission:

Labcorp Genetics (formerly Invitae), Labcorp
Classification: Pathogenic. Last evaluated: 2022-05-09. Review status: criteria provided, single submitter. Criteria: Invitae Variant Classification Sherloc (09022015). Collection method: clinical testing. Allele origin: germline.
Comment: This variant is not present in population databases (gnomAD no frequency). For these reasons, this variant has been classified as Pathogenic. This variant disrupts a region of the COL4A5 protein in which other variant(s) (p.Cys1678Tyr) have been determined to be pathogenic (PMID: 24854265; Invitae). This suggests that this is a clinically significant region of the protein, and that variants that disrupt it are likely to be disease-causing. This variant has not been reported in the literature in individuals affected with COL4A5-related conditions. This sequence change creates a premature translational stop signal (p.Gly1618Valfs*35) in the COL4A5 gene. While this is not anticipated to result in nonsense mediated decay, it is expected to disrupt the last 68 amino acid(s) of the COL4A5 protein.

Literature cited by the submitters: PubMed 24854265.

NM_033380.3(COL4A5):c.4871del (p.Gly1624fs)

Gene: COL4A5 (collagen type IV alpha 5 chain; plus strand). Cytogenetic location: Xq22.3.
Variant type: Deletion.
Coding change: c.4871del on transcript NM_033380.3 (MANE Select); coding-DNA position 4871, one base deleted (G; older notation c.4871delG).
Protein change: p.Gly1624fs; shifts the reading frame from glycine 1624.
Molecular consequence: frameshift variant.
Genome position (GRCh38, 1-based): chrX:108,695,316, G deleted; the last of 2 consecutive G bases (chrX:108,695,315-108,695,316); deleting either gives the same sequence. VCF-style (leftmost placement, unchanged base first): chrX-108695314-TG-T. GRCh37 (hg19) VCF-style: chrX-107938544-TG-T.
Other names: c.4853del, p.Gly1618fs (NM_000495.5); short protein forms G1618fs, G1624fs.
Identifiers: ClinVar variation 1992452 (VCV001992452.4), dbSNP rs2524653806, ClinGen allele CA2580100250.